The following is an entry in ClinVar:

NM_023036.6(DNAI2):c.263del (p.Leu88fs)

Gene: DNAI2 (dynein axonemal intermediate chain 2; plus strand). Cytogenetic location: 17q25.1.
Variant type: Deletion.
Coding change: c.263del on transcript NM_023036.6 (MANE Select); coding-DNA position 263, one base deleted (T; older notation c.263delT).
Protein change: p.Leu88fs; shifts the reading frame from leucine 88.
Molecular consequence: frameshift variant. On other transcripts: non-coding transcript variant (1).
Genome position (GRCh38, 1-based): chr17:74,285,119, T deleted. VCF-style (leftmost placement, unchanged base first): chr17-74285118-CT-C. GRCh37 (hg19) VCF-style: chr17-72281257-CT-C.
Other names: c.263del, p.Leu88fs (NM_001172810.3, NM_001353167.2); short protein forms L88fs.
Identifiers: ClinVar variation 5013457 (VCV005013457.1).
Genomic context (GRCh38, chr17:74,285,118, plus strand): 5'-GAGATGGAGACCCGGGGAGTTAACCATGTCGAGGGGGGCTGGCCCAAGGACGTGAACCCC[CT>C]GGAGCTGGAGCAGACCATCCGTTTCCGGAAGAAAGTGGAGAAAGATGAGAACTACGTTAA-3'

ClinVar aggregate classification (germline): Pathogenic (1 of 4 stars; one submission).

Conditions:
Primary ciliary dyskinesia 9. Also called: CILIARY DYSKINESIA, PRIMARY, 9, WITH OR WITHOUT SITUS INVERSUS. Identifiers: Orphanet 244, MedGen C2676235, MONDO:0012906, OMIM 612444.

Submission:

Myriad Genetics, Inc.
Classification: Pathogenic for Primary ciliary dyskinesia 9. Last evaluated: 2024-08-18. Review status: criteria provided, single submitter. Criteria: Myriad Autosomal Dominant, Autosomal Recessive and X-Linked Classification Criteria (2023). Collection method: clinical testing. Allele origin: unknown.
Comment: NM_023036.4(DNAI2):c.263delT(L88Rfs*55) is expected to be pathogenic in the context of primary ciliary dyskinesia, DNAI2-related. This variant is predicted to lead to an abnormal or absent protein product due to the creation of a premature termination codon in DNAI2, a gene where loss-of-function variants are known to be pathogenic. Please note: this variant was assessed in the context of healthy population screening.